The following is an entry in ClinVar:

NM_032208.3(ANTXR1):c.1554G>A (p.Ala518=)

Gene: ANTXR1 (ANTXR cell adhesion molecule 1; plus strand). Cytogenetic location: 2p13.3.
Variant type: single nucleotide variant.
Coding change: c.1554G>A on transcript NM_032208.3 (MANE Select); coding-DNA position 1554, G replaced by A.
Protein change: p.Ala518=; no amino-acid change (alanine 518 retained).
Molecular consequence: synonymous variant.
Genome position (GRCh38, 1-based): chr2:69,245,344, G>A. VCF-style: chr2-69245344-G-A. GRCh37 (hg19) VCF-style: chr2-69472476-G-A.
Other names: c.1554G>A (NM_032208.2).
Identifiers: ClinVar variation 2037447 (VCV002037447.6), dbSNP rs147959058, ClinGen allele CA1693439.

ClinVar aggregate classification (germline): Benign. Review status: criteria provided, single submitter (1 of 4 stars). 2 submissions from 2 submitters: Benign (1). 1 of the submissions does not count toward it. Last evaluated 2026-01-24.

Conditions:
ANTXR1-related disorder. Also called: ANTXR1-related condition.

Allele frequency attached by ClinVar (database versions not stated): 1000 Genomes Project 30x 0.01296; 1000 Genomes Project 0.01318; ESP Exome Variant Server 0.02524; ExAC 0.03713; gnomAD 0.05111.
gnomAD v4.1: 53,707 of 1,445,424 alleles (3.7%); highest among the groups gnomAD compares: Non-Finnish European, 4.3%; 1,131 homozygotes.

Submissions (2):

Labcorp Genetics (formerly Invitae), Labcorp
Classification: Benign. Last evaluated: 2026-01-24. Review status: criteria provided, single submitter. Criteria: Invitae Variant Classification Sherloc (09022015). Collection method: clinical testing. Allele origin: germline.

PreventionGenetics, part of Exact Sciences
Classification: Benign for ANTXR1-related condition. Last evaluated: 2022-11-07. Review status: no assertion criteria provided. Collection method: clinical testing. Allele origin: germline. Not counted in ClinVar's aggregate classification.
Comment: This variant is classified as benign based on ACMG/AMP sequence variant interpretation guidelines (Richards et al. 2015 PMID: 25741868, with internal and published modifications).